The following is an entry in ClinVar:

ClinVar aggregate classification (germline): Likely benign. Review status: criteria provided, multiple submitters, no conflicts (2 of 4 stars). 2 submissions from 2 submitters: Likely benign (2). Last evaluated 2025-10-26.

Conditions:
IMPG1-related disorder. Also called: IMPG1-related condition.

Allele frequency attached by ClinVar (database versions not stated): gnomAD exomes 0.00001; gnomAD 0.00004.
gnomAD v4.1: 22 of 1,613,860 alleles (0.0014%); highest among the groups gnomAD compares: Non-Finnish European, 0.0016%; no homozygotes.

Submissions (2):

PreventionGenetics, part of Exact Sciences
Classification: Likely benign for IMPG1-related condition. Last evaluated: 2025-10-26. Review status: criteria provided, single submitter. Criteria: ACMG Guidelines, 2015. Collection method: clinical testing. Allele origin: germline.
Comment: This variant is classified as likely benign based on ACMG/AMP sequence variant interpretation guidelines (Richards et al. 2015 PMID: 25741868, with internal and published modifications).

Labcorp Genetics (formerly Invitae), Labcorp
Classification: Likely benign. Last evaluated: 2021-09-01. Review status: criteria provided, single submitter. Criteria: Invitae Variant Classification Sherloc (09022015). Collection method: clinical testing. Allele origin: germline.

NM_001563.4(IMPG1):c.927G>A (p.Lys309=)

Gene: IMPG1 (interphotoreceptor matrix proteoglycan 1; minus strand). Cytogenetic location: 6q14.1.
Variant type: single nucleotide variant.
Coding change: c.927G>A on transcript NM_001563.4 (MANE Select); coding-DNA position 927, G replaced by A.
Protein change: p.Lys309=; no amino-acid change (lysine 309 retained).
Molecular consequence: synonymous variant.
Genome position (GRCh38, 1-based): chr6:76,005,495, C>T on the plus strand (G>A on the coding strand, the complement: IMPG1 is on the minus strand). VCF-style: chr6-76005495-C-T. GRCh37 (hg19) VCF-style: chr6-76715212-C-T.
Other names: c.693G>A, p.Lys231= (NM_001282368.2); c.927G>A (NM_001563.3).
Identifiers: ClinVar variation 1090248 (VCV001090248.10), dbSNP rs890501728, ClinGen allele CA141083862.
Genomic context (GRCh38, chr6:76,005,495, plus strand): 5'-TTTGTTGGAATCAAAAGACAGGAGGTCACTTGCAGGGCTTTTTGCTTCTGCACTGTGTCT[C>T]TTAAAGATGGCCGTAAGTTGCATCTCTGTGGAGCTTGAGCTGTAGATAGCAGAGGACACA-3'
Protein context (NP_001554.2, residues 299-319): STEMQLTAIF[Lys309=]RHSAEAKSPA